The following is an entry in ClinVar:

NM_001183.6(ATP6AP1):c.328G>A (p.Gly110Arg)

Gene: ATP6AP1 (ATPase H+ transporting accessory protein 1; plus strand). Cytogenetic location: Xq28.
Variant type: single nucleotide variant.
Coding change: c.328G>A on transcript NM_001183.6 (MANE Select); coding-DNA position 328, G replaced by A.
Protein change: p.Gly110Arg; replaces glycine 110 with arginine.
Molecular consequence: missense variant.
Genome position (GRCh38, 1-based): chrX:154,431,869, G>A. VCF-style: chrX-154431869-G-A. GRCh37 (hg19) VCF-style: chrX-153660215-G-A.
Other names: short protein forms G110R.
Identifiers: ClinVar variation 1213096 (VCV001213096.4), dbSNP rs2148223116, ClinGen allele CA415188997.

ClinVar aggregate classification (germline): Uncertain significance. Review status: criteria provided, multiple submitters, no conflicts (2 of 4 stars). 2 submissions from 2 submitters: Uncertain significance (2). Last evaluated 2025-09-11.

Submissions (2):

Labcorp Genetics (formerly Invitae), Labcorp
Classification: Uncertain significance. Last evaluated: 2025-09-11. Review status: criteria provided, single submitter. Criteria: Invitae Variant Classification Sherloc (09022015). Collection method: clinical testing. Allele origin: germline.
Comment: This sequence change replaces glycine, which is neutral and non-polar, with arginine, which is basic and polar, at codon 110 of the ATP6AP1 protein (p.Gly110Arg). This variant is not present in population databases (gnomAD no frequency). This variant has not been reported in the literature in individuals affected with ATP6AP1-related conditions. ClinVar contains an entry for this variant (Variation ID: 1213096). Invitae Evidence Modeling of protein sequence and biophysical properties (such as structural, functional, and spatial information, amino acid conservation, physicochemical variation, residue mobility, and thermodynamic stability) indicates that this missense variant is not expected to disrupt ATP6AP1 protein function with a negative predictive value of 80%. Algorithms developed to predict the effect of sequence changes on RNA splicing suggest that this variant may disrupt the consensus splice site. In summary, the available evidence is currently insufficient to determine the role of this variant in disease. Therefore, it has been classified as a Variant of Uncertain Significance.

GeneDx
Classification: Uncertain significance. Last evaluated: 2019-06-26. Review status: criteria provided, single submitter. Criteria: GeneDx Variant Classification Process June 2021. Collection method: clinical testing. Allele origin: germline. Affected: yes.
Comment: Not observed in large population cohorts (Lek et al., 2016); In silico analysis, which includes protein predictors and evolutionary conservation, supports a deleterious effect; Has not been previously published as pathogenic or benign to our knowledge